The following is an entry in ClinVar:

NM_001447.3(FAT2):c.9610G>A (p.Val3204Ile)

Genes: FAT2 (FAT atypical cadherin 2; minus strand), SLC36A1 (solute carrier family 36 member 1; plus strand). Cytogenetic location: 5q33.1.
Variant type: single nucleotide variant.
Coding change: c.9610G>A on transcript NM_001447.3 (MANE Select); coding-DNA position 9610, G replaced by A.
Protein change: p.Val3204Ile; replaces valine 3204 with isoleucine.
Molecular consequence: missense variant.
Genome position (GRCh38, 1-based): chr5:151,531,788, C>T on the plus strand (G>A on the coding strand, the complement: FAT2 is on the minus strand). VCF-style: chr5-151531788-C-T. GRCh37 (hg19) VCF-style: chr5-150911349-C-T.
Other names: c.9610G>A (NM_001447.2); short protein forms V3204I.
Identifiers: ClinVar variation 1984207 (VCV001984207.7), dbSNP rs140898888, ClinGen allele CA3520499.

ClinVar aggregate classification (germline): Uncertain significance. Review status: criteria provided, multiple submitters, no conflicts (2 of 4 stars). 2 submissions from 2 submitters: Uncertain significance (2). Last evaluated 2025-10-22.

Allele frequency attached by ClinVar (database versions not stated): gnomAD exomes 0.00001; gnomAD 0.00005; TOPMed 0.00005; ExAC 0.00006; ESP Exome Variant Server 0.00008; 1000 Genomes Project 30x 0.00016; 1000 Genomes Project 0.00020.
gnomAD v4.1: 26 of 1,612,776 alleles (0.0016%); highest among the groups gnomAD compares: African/African-American, 0.024%; no homozygotes.

Submissions (2):

Ambry Genetics
Classification: Uncertain significance. Last evaluated: 2025-10-22. Review status: criteria provided, single submitter. Criteria: Ambry Variant Classification Scheme 2023. Collection method: clinical testing. Allele origin: germline.

Labcorp Genetics (formerly Invitae), Labcorp
Classification: Uncertain significance. Last evaluated: 2022-09-10. Review status: criteria provided, single submitter. Criteria: Invitae Variant Classification Sherloc (09022015). Collection method: clinical testing. Allele origin: germline.
Comment: In summary, the available evidence is currently insufficient to determine the role of this variant in disease. Therefore, it has been classified as a Variant of Uncertain Significance. Algorithms developed to predict the effect of missense changes on protein structure and function (SIFT, PolyPhen-2, Align-GVGD) all suggest that this variant is likely to be tolerated. This variant has not been reported in the literature in individuals affected with FAT2-related conditions. The frequency data for this variant in the population databases is considered unreliable, as metrics indicate poor data quality at this position in the gnomAD database. This sequence change replaces valine, which is neutral and non-polar, with isoleucine, which is neutral and non-polar, at codon 3204 of the FAT2 protein (p.Val3204Ile).